The following is an entry in ClinVar:

NC_000007.13:g.(?_15239941)_(15601641_?)dup

Gene: AGMO (alkylglycerol monooxygenase; minus strand). Cytogenetic location: 7p21.2.
Variant type: Duplication.
Identifiers: ClinVar variation 3384859 (VCV003384859.1).

ClinVar aggregate classification (germline): Uncertain significance (1 of 4 stars; one submission).

Submission:

Women's Health and Genetics/Laboratory Corporation of America, LabCorp
Classification: Uncertain significance. Last evaluated: 2024-10-08. Review status: criteria provided, single submitter. Criteria: LabCorp Variant Classification Summary - May 2015. Collection method: clinical testing. Allele origin: germline.
Comment: Variant summary: The variant involves the duplication of exons 1-13 in the AGMO gene. A presumed nomenclature of c.(?_-171)_(*969_?)dup has been designated for the purposes of this classification. This duplication includes the entire coding sequence of the gene. As exact breakpoints are unknown, it may extend beyond the annotated region of the gene, to include other flanking genes. The variant was absent in 21694 control chromosomes. The available data on variant occurrences in the general population are insufficient to allow any conclusion about variant significance. To our knowledge, no occurrence of c.(?_-171)_(*969_?)dup in individuals affected with AGMO-Related Disorders and no experimental evidence demonstrating its impact on protein function have been reported. No submitters have cited clinical-significance assessments for this variant to ClinVar. Based on the evidence outlined above, the variant was classified as uncertain significance.